The following is an entry in ClinVar:

ClinVar aggregate classification (germline): Likely benign (0 of 4 stars; one submission).

Conditions:
ATXN8OS-related disorder. Also called: ATXN8OS-related condition.

Allele frequency attached by ClinVar (database versions not stated): TOPMed 0.00001; gnomAD 0.00003; gnomAD exomes 0.00004.
gnomAD v4.1: 17 of 456,054 alleles (0.0037%); highest among the groups gnomAD compares: Non-Finnish European, 0.0066%; no homozygotes.

Submission:

PreventionGenetics, part of Exact Sciences
Classification: Likely benign for ATXN8OS-related condition. Last evaluated: 2022-04-04. Review status: no assertion criteria provided. Collection method: clinical testing. Allele origin: germline.
Comment: This variant is classified as likely benign based on ACMG/AMP sequence variant interpretation guidelines (Richards et al. 2015 PMID: 25741868, with internal and published modifications).

NR_002717.3(ATXN8OS):n.758T>C

Gene: ATXN8OS (ATXN8 opposite strand lncRNA; plus strand). Cytogenetic location: 13q21.33.
Variant type: single nucleotide variant.
Molecular consequence: non-coding transcript variant (on NR_002717.3).
Genome position: GRCh38 VCF-style: chr13-70139247-T-C. GRCh37 (hg19) VCF-style: chr13-70713379-T-C.
Identifiers: ClinVar variation 3036411 (VCV003036411.2), dbSNP rs997755716, ClinGen allele CA252266767.